The following is an entry in ClinVar:

ClinVar aggregate classification (germline): Uncertain significance (1 of 4 stars; one submission).

Submission:

Labcorp Genetics (formerly Invitae), Labcorp
Classification: Uncertain significance. Last evaluated: 2025-03-27. Review status: criteria provided, single submitter. Criteria: Invitae Variant Classification Sherloc (09022015). Collection method: clinical testing. Allele origin: germline.
Comment: This sequence change replaces valine, which is neutral and non-polar, with leucine, which is neutral and non-polar, at codon 1876 of the ANK3 protein (p.Val1876Leu). This variant is not present in population databases (gnomAD no frequency). This variant has not been reported in the literature in individuals affected with ANK3-related conditions. Invitae Evidence Modeling of protein sequence and biophysical properties (such as structural, functional, and spatial information, amino acid conservation, physicochemical variation, residue mobility, and thermodynamic stability) indicates that this missense variant is not expected to disrupt ANK3 protein function with a negative predictive value of 80%. In summary, the available evidence is currently insufficient to determine the role of this variant in disease. Therefore, it has been classified as a Variant of Uncertain Significance.

NM_020987.5(ANK3):c.5626G>C (p.Val1876Leu)

Gene: ANK3 (ankyrin 3; minus strand). Cytogenetic location: 10q21.2.
Variant type: single nucleotide variant.
Coding change: c.5626G>C on transcript NM_020987.5 (MANE Select); coding-DNA position 5626, G replaced by C.
Protein change: p.Val1876Leu; replaces valine 1876 with leucine.
Molecular consequence: missense variant. On other transcripts: intron variant (4).
Genome position (GRCh38, 1-based): chr10:60,075,255, C>G on the plus strand (G>C on the coding strand, the complement: ANK3 is on the minus strand). VCF-style: chr10-60075255-C-G. GRCh37 (hg19) VCF-style: chr10-61835013-C-G.
Other names: c.4387+5282G>C (NM_001204403.2); c.4408+5282G>C (NM_001204404.2); c.4405+5282G>C (NM_001320874.2); c.1807+5282G>C (NM_001149.4); short protein forms V1876L.
Identifiers: ClinVar variation 4740655 (VCV004740655.1).